The following is an entry in ClinVar:

NM_018100.4(EFHC1):c.663dup (p.Lys222Ter)

Gene: EFHC1 (EF-hand domain containing 1; plus strand). Cytogenetic location: 6p12.2.
Variant type: Duplication.
Coding change: c.663dup on transcript NM_018100.4 (MANE Select); coding-DNA position 663, one base duplicated (T; older notation c.663dupT).
Protein change: p.Lys222Ter; replaces lysine 222 with a stop codon.
Molecular consequence: nonsense. On other transcripts: non-coding transcript variant (1).
Genome position (GRCh38, 1-based): chr6:52,452,777, T duplicated. VCF-style (leftmost placement, unchanged base first): chr6-52452776-G-GT. GRCh37 (hg19) VCF-style: chr6-52317574-G-GT.
Other names: c.606dup, p.Lys203Ter (NM_001172420.2); short protein forms K222*, K203*.
Identifiers: ClinVar variation 969853 (VCV000969853.9), dbSNP rs776734177, ClinGen allele CA3855797.

ClinVar aggregate classification (germline): Uncertain significance (1 of 4 stars; one submission).

Conditions:
Absence seizure. Also called: Absence epilepsy. Identifiers: Orphanet 1941, MedGen C0014553.
Myoclonic epilepsy, juvenile, susceptibility to, 1. Also called: Myoclonic Epilepsy, Juvenile, 1; EJM1. Identifiers: MedGen C1850778, MONDO:0020752, OMIM 254770.

Allele frequency attached by ClinVar (database versions not stated): gnomAD exomes below 0.00001 and 0.00001; ExAC 0.00001.

Submission:

Labcorp Genetics (formerly Invitae), Labcorp
Classification: Uncertain significance for Myoclonic epilepsy, juvenile, susceptibility to, 1; Absence seizure. Last evaluated: 2020-02-02. Review status: criteria provided, single submitter. Criteria: Invitae Variant Classification Sherloc (09022015). Collection method: clinical testing. Allele origin: germline.
Comment: This variant has not been reported in the literature in individuals with EFHC1-related conditions. This variant is present in population databases (rs776734177, ExAC 0.009%). This sequence change creates a premature translational stop signal (p.Lys222*) in the EFHC1 gene. It is expected to result in an absent or disrupted protein product. In summary, the available evidence is currently insufficient to determine the role of this variant in disease. Therefore, it has been classified as a Variant of Uncertain Significance. The current clinical and genetic evidence is not sufficient to establish whether loss-of-function variants in EFHC1 cause disease.